The following is an entry in ClinVar:

ClinVar aggregate classification (germline): Uncertain significance (1 of 4 stars; one submission).

Conditions:
Inborn genetic diseases. Identifiers: MedGen C0950123, MeSH D030342.

gnomAD v4.1: 1 of 1,610,964 alleles (0.000062%); highest among the groups gnomAD compares: Admixed American, 0.0017%; no homozygotes.

Submission:

Ambry Genetics
Classification: Uncertain significance for Inborn genetic diseases. Last evaluated: 2026-08-19. Review status: criteria provided, single submitter. Criteria: Ambry Variant Classification Scheme 2023. Collection method: clinical testing. Allele origin: germline.
Comment: The p.K612I variant (also known as c.1835A>T), located in coding exon 21 of the FANCA gene, results from an A to T substitution at nucleotide position 1835. The lysine at codon 612 is replaced by isoleucine, an amino acid with dissimilar properties. This amino acid position is conserved. In addition, this alteration is predicted to be deleterious by in silico analysis. Based on the available evidence, the clinical significance of this variant remains unclear.

NM_000135.4(FANCA):c.1835A>T (p.Lys612Ile)

Gene: FANCA (FA complementation group A; minus strand). Cytogenetic location: 16q24.3.
Variant type: single nucleotide variant.
Coding change: c.1835A>T on transcript NM_000135.4 (MANE Select); coding-DNA position 1835, A replaced by T.
Protein change: p.Lys612Ile; replaces lysine 612 with isoleucine.
Molecular consequence: missense variant.
Genome position (GRCh38, 1-based): chr16:89,775,807, T>A on the plus strand (A>T on the coding strand, the complement: FANCA is on the minus strand). VCF-style: chr16-89775807-T-A. GRCh37 (hg19) VCF-style: chr16-89842215-T-A.
Other names: c.1835A>T, p.Lys612Ile (NM_001286167.3); short protein forms K612I.
Identifiers: ClinVar variation 5036424 (VCV005036424.1).